The following is an entry in ClinVar:

NM_015662.3(IFT172):c.148A>T (p.Arg50Ter)

Gene: IFT172 (intraflagellar transport 172; minus strand). Cytogenetic location: 2p23.3.
Variant type: single nucleotide variant.
Coding change: c.148A>T on transcript NM_015662.3 (MANE Select); coding-DNA position 148, A replaced by T.
Protein change: p.Arg50Ter; replaces arginine 50 with a stop codon.
Molecular consequence: nonsense.
Genome position (GRCh38, 1-based): chr2:27,485,395, T>A on the plus strand (A>T on the coding strand, the complement: IFT172 is on the minus strand). VCF-style: chr2-27485395-T-A. GRCh37 (hg19) VCF-style: chr2-27708262-T-A.
Other names: short protein forms R50*.
Identifiers: ClinVar variation 938394 (VCV000938394.7), dbSNP rs1668686361, ClinGen allele CA346403132.

ClinVar aggregate classification (germline): Pathogenic (1 of 4 stars; one submission).

Conditions:
Short-rib thoracic dysplasia 10 with or without polydactyly (SRTD10). Identifiers: Orphanet 474, MedGen C3810175, MONDO:0014284, OMIM 615630.
Retinitis pigmentosa 71 (RP71). Identifiers: Orphanet 791, MedGen C4225342, MONDO:0014618, OMIM 616394.

Submission:

Labcorp Genetics (formerly Invitae), Labcorp
Classification: Pathogenic for Retinitis pigmentosa 71; Short-rib thoracic dysplasia 10 with or without polydactyly. Last evaluated: 2022-03-10. Review status: criteria provided, single submitter. Criteria: Invitae Variant Classification Sherloc (09022015). Collection method: clinical testing. Allele origin: germline.
Comment: For these reasons, this variant has been classified as Pathogenic. This sequence change creates a premature translational stop signal (p.Arg50*) in the IFT172 gene. It is expected to result in an absent or disrupted protein product. Loss-of-function variants in IFT172 are known to be pathogenic (PMID: 24140113). This variant is not present in population databases (gnomAD no frequency). This variant has not been reported in the literature in individuals affected with IFT172-related conditions. ClinVar contains an entry for this variant (Variation ID: 938394). Algorithms developed to predict the effect of sequence changes on RNA splicing suggest that this variant may create or strengthen a splice site.

Literature cited by the submitters: PubMed 24140113.